The following is an entry in ClinVar:

NM_003000.3(SDHB):c.591del (p.Ser198fs)

Gene: SDHB (succinate dehydrogenase complex iron sulfur subunit B; minus strand). Cytogenetic location: 1p36.13.
Variant type: Deletion.
Coding change: c.591del on transcript NM_003000.3 (MANE Select); coding-DNA position 591, one base deleted (C; older notation c.591delC).
Protein change: p.Ser198fs; shifts the reading frame from serine 198.
Molecular consequence: frameshift variant.
Genome position (GRCh38, 1-based): chr1:17,024,024, G deleted on the plus strand (C on the coding strand, the reverse complement: SDHB is on the minus strand); the first of 4 consecutive G bases (chr1:17,024,024-17,024,027); deleting any one gives the same sequence. VCF-style (leftmost placement, unchanged base first): chr1-17024023-TG-T. GRCh37 (hg19) VCF-style: chr1-17350518-TG-T.
Other names: c.591delC (NM_003000.2); short protein forms S198fs.
Identifiers: ClinVar variation 412462 (VCV000412462.25), dbSNP rs1060503757, ClinGen allele CA16609921.

ClinVar aggregate classification (germline): Pathogenic. Review status: criteria provided, multiple submitters, no conflicts (2 of 4 stars). 11 submissions from 10 submitters: Pathogenic (10). 1 of the submissions does not count toward it. Last evaluated 2026-06-18.

Conditions:
Pheochromocytoma/paraganglioma syndrome 4. Also called: PARAGANGLIOMA, FAMILIAL MALIGNANT; PARAGANGLIOMAS, HEREDITARY EXTRAADRENAL; PHEOCHROMOCYTOMA, FAMILIAL EXTRAADRENAL; Paragangliomas 4; CAROTID BODY TUMORS AND MULTIPLE EXTRAADRENAL PHEOCHROMOCYTOMAS; SDHB-Related Hereditary Paraganglioma-Pheochromocytoma Syndrome (Paragangliomas 4). Identifiers: Orphanet 29072, MedGen C1861848, MONDO:0007273, OMIM 115310.
Pheochromocytoma. Also called: MAX-Related Hereditary Paraganglioma-Pheochromocytoma Syndrome. Identifiers: Orphanet 29072, MedGen C0031511, MONDO:0008233, OMIM 171300, HP:0002666.
Gastrointestinal stromal tumor. Also called: Gastrointestinal stroma tumor; Gastrointestinal stromal tumor, somatic. Identifiers: Orphanet 44890, MedGen C0238198, MeSH D046152, MONDO:0011719, OMIM 606764, HP:0100723.
SDHB-related disorder. Also called: SDHB-related condition; SDHB-related disorders. Identifiers: MedGen CN239418.
Hereditary cancer-predisposing syndrome. Also called: Neoplastic Syndromes, Hereditary; Hereditary Cancer Syndrome; Hereditary neoplastic syndrome; Tumor predisposition. Identifiers: Orphanet 140162, MedGen C0027672, MeSH D009386, MONDO:0015356.

Submissions (11):

Myriad Genetics, Inc.
Classification: Pathogenic for Pheochromocytoma/paraganglioma syndrome 4. Last evaluated: 2026-06-18. Review status: criteria provided, single submitter. Criteria: Myriad Autosomal Dominant, Autosomal Recessive and X-Linked Classification Criteria (2023). Collection method: clinical testing. Allele origin: unknown.
Comment: This variant is considered pathogenic. This variant creates a frameshift predicted to result in premature protein truncation.

Dasa
Classification: Pathogenic for Pheochromocytoma/paraganglioma syndrome 4. Last evaluated: 2025-10-20. Review status: criteria provided, single submitter. Criteria: DASA Assertion Criteria. Collection method: clinical testing. Allele origin: germline. Observed: 1 variant allele.
Comment: NM_003000.3(SDHB):c.591del (p.Ser198Alafs22) introduces a frameshift resulting in a premature termination codon. Loss-of-function is an established mechanism of disease for this gene. This variant has been reported in individuals with paraganglioma and pheochromocytoma (PMID: 16314641, 16317055). Based on the available data, this variant is classified as Pathogenic.

Ambry Genetics
Classification: Pathogenic for Hereditary cancer-predisposing syndrome. Last evaluated: 2025-02-07. Review status: criteria provided, single submitter. Criteria: Ambry Variant Classification Scheme 2023. Collection method: clinical testing. Allele origin: germline.
Comment: The c.591delC (p.S198Afs*22) alteration, located in exon 6 (coding exon 6) of the SDHB gene, consists of a deletion of one nucleotide at position 591, causing a translational frameshift with a predicted alternate stop codon after 22 amino acids. This alteration is expected to result in loss of function by premature protein truncation or nonsense-mediated mRNA decay. This variant was not reported in population-based cohorts in the Genome Aggregation Database (gnomAD). This variant was reported in individual(s) with features consistent with SDHB-related paraganglioma-pheochromocytoma syndrome (Amar, 2005; Fakhry, 2008; Burnichon, 2009). Based on the available evidence, this alteration is classified as pathogenic.

Quest Diagnostics Nichols Institute San Juan Capistrano
Classification: Pathogenic. Last evaluated: 2024-10-22. Review status: criteria provided, single submitter. Criteria: Quest Diagnostics criteria. Collection method: clinical testing. Allele origin: unknown.
Comment: The SDHB c.591del (p.Ser198Alafs*22) variant alters the translational reading frame of the SDHB mRNA and causes the premature termination of SDHB protein synthesis. This variant has been reported in the published literature in in several individuals with paragangliomas (PMID: 16314641 (2005), 16317055 (2006), 19454582 (2009), 22517554 (2012), 23072324 (2013), and 30877234 (2019)) and pheochromocytoma (PMID: 11404820 (2001) and 37529773 (2023)). This variant has not been reported in large, multi-ethnic general populations (Genome Aggregation Database). Based on the available information, this variant is classified as pathogenic.

Institute for Genomic Medicine (IGM) Clinical Laboratory, Nationwide Children's Hospital
Classification: Pathogenic for Pheochromocytoma/paraganglioma syndrome 4. Last evaluated: 2023-08-04. Review status: criteria provided, single submitter. Criteria: ACMG Guidelines, 2015. Collection method: clinical testing. Allele origin: germline.
Comment: This variant is predicted to result in loss of function through nonsense-mediated decay of the encoded transcript or premature truncation of the encoded protein in a gene in which loss of function is a known mechanism of disease (ACMG/AMP: PVS1; PMIDs:19802898, 19454582). This variant has been reported at an elevated frequency in affected individuals/in multiple affected individuals in the literature (ACMG/AMP: PS4; PMIDs:22517554, 16314641, 16317055, 19454582, 23072324). This variant is absent from or present at an exceedingly low frequency in gnomAD, a large-scale control population database (ACMG/AMP: PM2).

New York Genome Center
Classification: Pathogenic for Pheochromocytoma/paraganglioma syndrome 4; Pheochromocytoma. Last evaluated: 2023-03-03. Review status: criteria provided, single submitter. Criteria: NYGC Assertion Criteria 2020. Collection method: clinical testing. Allele origin: inherited. Observed: 1 variant allele, 1 heterozygote.
Comment: The c.591del (also known as c.587-591delC) variant in SDHB gene has previously been reported in affected individuals with SDHB-related paraganglioma-pheochromocytoma (PGL/PCC) [PMID: 16314641, 16317055, 19454582, 22517554, 22995128, 30155846]. This variant has also been identified in asymptomatic carriers in a family representing incomplete penetrance [PMID: 30155846]. The c.591del variant has been deposited in ClinVar [ClinVar ID: 412462] as Pathogenic and it is observed in 1 allele (~0.0005% minor allele frequency with 0 homozygotes) in population databases (gnomAD v2.1.1 and v3.1.2, TOPMed Freeze 8, All of Us), suggesting it is not a common benign variant in the populations represented in those databases. The c.591del variant in SDHB is located in exon 6 of this 8-exon gene, predicted to incorporate a premature termination codon (p.(Ser198AlafsTer22)), and is expected to result in loss-of-function via nonsense mediated decay. Multiple loss-of-function variants that are downstream to the c.591del variant have been reported in the literature [PMID: 22517554] and ClinVar [ClinVar ID: 233795] in individuals with SDHB-related PGL/PCC syndrome. Based on available evidence this inherited c.591del, p.(Ser198AlafsTer22) variant identified in SDHB gene is classified as Pathogenic.

Labcorp Genetics (formerly Invitae), Labcorp
Classification: Pathogenic for Gastrointestinal stromal tumor; Pheochromocytoma/paraganglioma syndrome 4; Pheochromocytoma. Last evaluated: 2022-10-05. Review status: criteria provided, single submitter. Criteria: Invitae Variant Classification Sherloc (09022015). Collection method: clinical testing. Allele origin: germline.
Comment: For these reasons, this variant has been classified as Pathogenic. ClinVar contains an entry for this variant (Variation ID: 412462). This premature translational stop signal has been observed in individuals with paraganglioma-pheochromocytoma syndrome (PMID: 16314641, 16317055, 19454582, 22517554, 23072324). This variant is not present in population databases (gnomAD no frequency). This sequence change creates a premature translational stop signal (p.Ser198Alafs*22) in the SDHB gene. It is expected to result in an absent or disrupted protein product. Loss-of-function variants in SDHB are known to be pathogenic (PMID: 19454582, 19802898).

Dasa
Classification: Pathogenic for SDHB-related disorder. Last evaluated: 2022-01-05. Review status: criteria provided, single submitter. Criteria: ACMG Guidelines, 2015. Collection method: clinical testing. Allele origin: germline. Affected: yes. Observed: 1 variant allele.
Comment: The c.591del;p.(Ser198Alafs*22) is a null frameshift variant (NMD) in the SDHB gene and predicts alteration of the nonsense-mediate decay - NMD is present in a relevantexon to the transcript -PVS1. This sequence change has been observed in affected individual(s) and ClinVar contains an entry for this variant (ClinVar ID: 412462; PMID: 22517554; 19454582; 23072324; 16314641; 16317055) - PS4. This variant is not present in population databases (rs1060503757, gnomAD; ABraOM no frequency) - PM2. In summary, the currently available evidence indicates that the variant is pathogenic.

Sema4
Classification: Pathogenic for Hereditary cancer-predisposing syndrome. Last evaluated: 2021-12-23. Review status: criteria provided, single submitter. Criteria: Sema4 Curation Guidelines. Collection method: curation. Allele origin: germline.
Comment: The SDHB c.591delC (p.S198AfsX22) variant has been reported in heterozygosity in at least 4 individuals with paragangliomas and/or pheochromocytomas (PMID: 22517554, 22995128, 30155846, 30877234). This variant causes a frameshift at amino acid 198 that results in premature termination 22 amino acids downstream. At this location, this is predicted to cause nonsense-mediated decay and result in an absent protein (loss of function). Loss-of-function variants in SDHB are known to be pathogenic (PMID: 19802898, 19454582). This variant is not reported in the population database Genome Aggregation Database (PMID: 32461654), but has been reported in ClinVar (Variation ID: 412462). Based on the current evidence available, this variant is interpreted as pathogenic.

Mendelics
Classification: Pathogenic for Gastrointestinal stromal tumor. Last evaluated: 2019-05-28. Review status: criteria provided, single submitter. Criteria: Mendelics Assertion Criteria 2017. Collection method: clinical testing. Allele origin: unknown.

OMIM
Classification: Pathogenic for PHEOCHROMOCYTOMA/PARAGANGLIOMA SYNDROME 4. Last evaluated: 2001-07-01. Review status: no assertion criteria provided. Collection method: literature only. Allele origin: germline. Not counted in ClinVar's aggregate classification.

Literature cited by the submitters: PubMed 16314641 (cited by 6 submitters); PubMed 16317055 (cited by 5 submitters); PubMed 17987308 (cited by Ambry Genetics); PubMed 19454582 (cited by 7 submitters); PubMed 22517554 (cited by 6 submitters); PubMed 23072324 (cited by 4 submitters); PubMed 11404820 (cited by Quest Diagnostics Nichols Institute San Juan Capistrano and OMIM); PubMed 37529773 (cited by Quest Diagnostics Nichols Institute San Juan Capistrano); PubMed 30877234 (cited by Quest Diagnostics Nichols Institute San Juan Capistrano and Sema4); PubMed 19802898 (cited by 3 submitters); PubMed 22995128 (cited by New York Genome Center and Sema4); PubMed 30155846 (cited by New York Genome Center and Sema4).